The following is an entry in ClinVar:

NM_002691.4(POLD1):c.2954-1G>C

Gene: POLD1 (DNA polymerase delta 1, catalytic subunit; plus strand). Cytogenetic location: 19q13.33.
Variant type: single nucleotide variant.
Coding change: c.2954-1G>C on transcript NM_002691.4 (MANE Select); the canonical splice acceptor site of the intron before coding-DNA position 2954, G replaced by C.
Molecular consequence: splice acceptor variant.
Genome position (GRCh38, 1-based): chr19:50,416,609, G>C. VCF-style: chr19-50416609-G-C. GRCh37 (hg19) VCF-style: chr19-50919866-G-C.
Other names: c.2954-1G>C (NM_001256849.1); c.3032-1G>C (NM_001308632.1).
Identifiers: ClinVar variation 2728491 (VCV002728491.3), dbSNP rs1601247230, ClinGen allele CA406986760.

ClinVar aggregate classification (germline): Uncertain significance (1 of 4 stars; one submission).

Conditions:
POLD1-related polyposis and colorectal cancer syndrome (CRCS10). Also called: Colorectal cancer 10; Colorectal cancer, susceptibility to, 10; COLORECTAL CANCER, SUSCEPTIBILITY TO, ON CHROMOSOME 19q. Identifiers: Orphanet 220460, MedGen C2675481, MONDO:0012953, OMIM 612591.

Submission:

Labcorp Genetics (formerly Invitae), Labcorp
Classification: Uncertain significance for POLD1-related polyposis and colorectal cancer syndrome. Last evaluated: 2024-01-10. Review status: criteria provided, single submitter. Criteria: Invitae Variant Classification Sherloc (09022015). Collection method: clinical testing. Allele origin: germline.
Comment: This sequence change affects an acceptor splice site in intron 23 of the POLD1 gene. Missense variants that disrupt the 3'-5' exonuclease (proof-reading) activity of the POLD1 protein are associated with PPAP (polymerase proofreading–associated polyposis) (PMID: 23263490, 23447401). However, loss-of-function variants that result in an absent or severely disrupted POLD1 protein, and missense variants outside the exonuclease domain, are unlikely to be associated with PPAP. This variant is not present in population databases (gnomAD no frequency). This variant has not been reported in the literature in individuals affected with POLD1-related conditions. Algorithms developed to predict the effect of sequence changes on RNA splicing suggest that this variant may disrupt the consensus splice site. In summary, the available evidence is currently insufficient to determine the role of this variant in disease. Therefore, it has been classified as a Variant of Uncertain Significance.

Literature cited by the submitters: PubMed 23263490; PubMed 23447401.